The following is an entry in ClinVar:

NM_006904.7(PRKDC):c.9724A>G (p.Met3242Val)

Gene: PRKDC (protein kinase, DNA-activated, catalytic subunit; minus strand). Cytogenetic location: 8q11.21.
Variant type: single nucleotide variant.
Coding change: c.9724A>G on transcript NM_006904.7 (MANE Select); coding-DNA position 9724, A replaced by G.
Protein change: p.Met3242Val; replaces methionine 3242 with valine.
Molecular consequence: missense variant.
Genome position (GRCh38, 1-based): chr8:47,807,160, T>C on the plus strand (A>G on the coding strand, the complement: PRKDC is on the minus strand). VCF-style: chr8-47807160-T-C. GRCh37 (hg19) VCF-style: chr8-48719721-T-C.
Other names: c.9724A>G, p.Met3242Val (NM_001081640.2); short protein forms M3242V.
Identifiers: ClinVar variation 645154 (VCV000645154.3), dbSNP rs775383563, ClinGen allele CA4739504.

ClinVar aggregate classification (germline): Uncertain significance (1 of 4 stars; one submission).

Conditions:
Severe combined immunodeficiency due to DNA-PKcs deficiency. Also called: IMMUNODEFICIENCY 26 WITH NEUROLOGIC ABNORMALITIES; Immunodeficiency 26 with or without neurologic abnormalities. Identifiers: Orphanet 317425, MedGen C4014833, MONDO:0014423, OMIM 615966.

Allele frequency attached by ClinVar (database versions not stated): gnomAD exomes 0.00001 and 0.00003; ExAC 0.00002; gnomAD 0.00002; TOPMed 0.00002.
gnomAD v4.1: 10 of 1,613,810 alleles (0.00062%); highest among the groups gnomAD compares: Admixed American, 0.013%; no homozygotes.

Submission:

Labcorp Genetics (formerly Invitae), Labcorp
Classification: Uncertain significance for Severe combined immunodeficiency due to DNA-PKcs deficiency. Last evaluated: 2022-04-13. Review status: criteria provided, single submitter. Criteria: Invitae Variant Classification Sherloc (09022015). Collection method: clinical testing. Allele origin: germline.
Comment: This sequence change replaces methionine, which is neutral and non-polar, with valine, which is neutral and non-polar, at codon 3242 of the PRKDC protein (p.Met3242Val). This variant is present in population databases (rs775383563, gnomAD 0.02%). This variant has not been reported in the literature in individuals affected with PRKDC-related conditions. ClinVar contains an entry for this variant (Variation ID: 645154). Algorithms developed to predict the effect of sequence changes on RNA splicing suggest that this variant may create or strengthen a splice site. In summary, the available evidence is currently insufficient to determine the role of this variant in disease. Therefore, it has been classified as a Variant of Uncertain Significance.